The following is an entry in ClinVar:

ClinVar aggregate classification (germline): Likely pathogenic (1 of 4 stars; one submission).

Conditions:
Sandhoff disease. Also called: Beta-hexosaminidase-beta-subunit deficiency; GM2 gangliosidosis, type 2; Total hexosaminidase deficiency; Sandhoff-Jatzkewitz-Pilz disease; GM2-GANGLIOSIDOSIS, TYPE II; HEXOSAMINIDASES A AND B DEFICIENCY. Identifiers: Orphanet 796, MedGen C0036161, MONDO:0010006, OMIM 268800.

Allele frequency attached by ClinVar (database versions not stated): gnomAD exomes below 0.00001; ExAC 0.00001.
gnomAD v4.1: 1 of 1,611,924 alleles (0.000062%); highest among the groups gnomAD compares: South Asian, 0.0011%; no homozygotes.

Submission:

Labcorp Genetics (formerly Invitae), Labcorp
Classification: Likely pathogenic for Sandhoff disease. Last evaluated: 2023-05-05. Review status: criteria provided, single submitter. Criteria: Invitae Variant Classification Sherloc (09022015). Collection method: clinical testing. Allele origin: germline.
Comment: This variant is present in population databases (rs777657769, gnomAD 0.003%). This sequence change replaces cysteine, which is neutral and slightly polar, with arginine, which is basic and polar, at codon 309 of the HEXB protein (p.Cys309Arg). This variant has not been reported in the literature in individuals affected with HEXB-related conditions. In summary, the currently available evidence indicates that the variant is pathogenic, but additional data are needed to prove that conclusively. Therefore, this variant has been classified as Likely Pathogenic. This variant disrupts the p.Cys309 amino acid residue in HEXB. Other variant(s) that disrupt this residue have been determined to be pathogenic (PMID: 7557963, 26582265). This suggests that this residue is clinically significant, and that variants that disrupt this residue are likely to be disease-causing. Advanced modeling of protein sequence and biophysical properties (such as structural, functional, and spatial information, amino acid conservation, physicochemical variation, residue mobility, and thermodynamic stability) performed at Invitae indicates that this missense variant is expected to disrupt HEXB protein function.

Literature cited by the submitters: PubMed 7557963; PubMed 26582265.

NM_000521.4(HEXB):c.925T>C (p.Cys309Arg)

Gene: HEXB (hexosaminidase subunit beta; plus strand). Cytogenetic location: 5q13.3.
Variant type: single nucleotide variant.
Coding change: c.925T>C on transcript NM_000521.4 (MANE Select); coding-DNA position 925, T replaced by C.
Protein change: p.Cys309Arg; replaces cysteine 309 with arginine.
Molecular consequence: missense variant.
Genome position (GRCh38, 1-based): chr5:74,715,533, T>C. VCF-style: chr5-74715533-T-C. GRCh37 (hg19) VCF-style: chr5-74011358-T-C.
Other names: c.250T>C, p.Cys84Arg (NM_001292004.2); short protein forms C309R, C84R.
Identifiers: ClinVar variation 2862037 (VCV002862037.3), dbSNP rs777657769, ClinGen allele CA3305988.
Genomic context (GRCh38, chr5:74,715,533, plus strand): 5'-CACTTCTTTTAAAAAGAATCTTAATATTTTCTTCTAGGTCAGAAAGACCTCCTGACTCCA[T>C]GTTACAGTAGACAAAACAAGTTGGACTCTTTTGGACCTATAAACCCTACTCTGAATACAA-3'
Protein context (NP_000512.2, residues 299-319): GKGQKDLLTP[Cys309Arg]YSRQNKLDSF